The following is an entry in ClinVar:

NM_001267550.2(TTN):c.90250A>G (p.Lys30084Glu)

Genes: TTN (titin; minus strand), TTN-AS1 (TTN antisense RNA 1; plus strand). Cytogenetic location: 2q31.2.
Variant type: single nucleotide variant.
Coding change: c.90250A>G on transcript NM_001267550.2 (MANE Select); coding-DNA position 90250, A replaced by G.
Protein change: p.Lys30084Glu; replaces lysine 30084 with glutamic acid.
Molecular consequence: missense variant.
Genome position (GRCh38, 1-based): chr2:178,552,650, T>C on the plus strand (A>G on the coding strand, the complement: TTN is on the minus strand). VCF-style: chr2-178552650-T-C. GRCh37 (hg19) VCF-style: chr2-179417377-T-C.
Other names: p.K28443E:AAG>GAG; c.85327A>G, p.Lys28443Glu (NM_001256850.1); c.63055A>G, p.Lys21019Glu (NM_003319.4); c.82546A>G, p.Lys27516Glu (NM_133378.4); c.63430A>G, p.Lys21144Glu (NM_133432.3); c.63631A>G, p.Lys21211Glu (NM_133437.4); short protein forms K28443E, K30084E, K21144E, K21019E, K27516E, K21211E.
Identifiers: ClinVar variation 202965 (VCV000202965.3), dbSNP rs376597164, ClinGen allele CA310831.

ClinVar aggregate classification (germline): Uncertain significance. Review status: criteria provided, multiple submitters, no conflicts (2 of 4 stars). 2 submissions from 2 submitters: Uncertain significance (2). Last evaluated 2021-07-28.

Allele frequency attached by ClinVar (database versions not stated): ExAC 0.00003.
gnomAD v4.1: 6 of 1,613,970 alleles (0.00037%); highest among the groups gnomAD compares: East Asian, 0.011%; no homozygotes.

Submissions (2):

Laboratory for Molecular Medicine, Mass General Brigham Personalized Medicine
Classification: Uncertain significance. Last evaluated: 2021-07-28. Review status: criteria provided, single submitter. Criteria: ACMG Guidelines, 2015. Collection method: clinical testing. Allele origin: germline.
Comment: The p.Lys27516Glu variant in TTN has not been previously reported in the literature in individuals with cardiomyopathy but has been reported by other clinical laboratories in ClinVar (Variation ID: 202965). It has also been identified in 0.028% (5/17940) of East Asian chromosomes by gnomAD. Computational prediction tools and conservation analyses do not provide strong support for or against an impact to the protein. In summary, the clinical significance of this variant is uncertain. ACMG/AMP Criteria applied: BS1_Supporting.

GeneDx
Classification: Uncertain significance. Last evaluated: 2014-07-11. Review status: criteria provided, single submitter. Criteria: GeneDx Variant Classification (06012015). Collection method: clinical testing. Allele origin: germline. Affected: yes.
Comment: Missense variants in the TTN gene are considered 'unclassified' if they are not previously reported in the literature and do not have >1% frequency in the population to be considered a polymorphism. Research indicates that truncating mutations in the TTN gene are expected to account for approximately 25% of familial and 18% of sporadic idiopathic DCM; however, truncating variants in the TTN gene have been reported in approximately 3% of reported control alleles. There has been little investigation into non-truncating variants. (Herman D et al. Truncations of titin causing dilated cardiomyopathy. N Eng J Med 366:619-628, 2012) The variant is found in CARDIOMYOPATHY panel(s).